The following is an entry in ClinVar:

NM_001379270.1(CNGA1):c.533T>G (p.Met178Arg)

Genes: CNGA1 (cyclic nucleotide gated channel subunit alpha 1; minus strand), LOC101927157 (uncharacterized LOC101927157; plus strand). Cytogenetic location: 4p12.
Variant type: single nucleotide variant.
Coding change: c.533T>G on transcript NM_001379270.1 (MANE Select); coding-DNA position 533, T replaced by G.
Protein change: p.Met178Arg; replaces methionine 178 with arginine.
Molecular consequence: missense variant.
Genome position (GRCh38, 1-based): chr4:47,942,053, A>C on the plus strand (T>G on the coding strand, the complement: CNGA1 is on the minus strand). VCF-style: chr4-47942053-A-C. GRCh37 (hg19) VCF-style: chr4-47944070-A-C.
Other names: c.545T>G (NM_000087.3); c.533T>G, p.Met178Arg (NM_000087.5, NM_001142564.2); short protein forms M178R.
Identifiers: ClinVar variation 1060375 (VCV001060375.10), dbSNP rs192411346, ClinGen allele CA2911262.

ClinVar aggregate classification (germline): Uncertain significance. Review status: criteria provided, multiple submitters, no conflicts (2 of 4 stars). 2 submissions from 2 submitters: Uncertain significance (2). Last evaluated 2025-01-08.

Conditions:
Inborn genetic diseases. Identifiers: MedGen C0950123, MeSH D030342.

Allele frequency attached by ClinVar (database versions not stated): gnomAD exomes below 0.00001; ExAC 0.00001; gnomAD 0.00001; 1000 Genomes Project 30x 0.00016; 1000 Genomes Project 0.00020.

Submissions (2):

Ambry Genetics
Classification: Uncertain significance for Inborn genetic diseases. Last evaluated: 2025-01-08. Review status: criteria provided, single submitter. Criteria: Ambry Variant Classification Scheme 2023. Collection method: clinical testing. Allele origin: germline.

Labcorp Genetics (formerly Invitae), Labcorp
Classification: Uncertain significance. Last evaluated: 2020-10-10. Review status: criteria provided, single submitter. Criteria: Invitae Variant Classification Sherloc (09022015). Collection method: clinical testing. Allele origin: germline.
Comment: This variant has not been reported in the literature in individuals with CNGA1-related conditions. This variant is present in population databases (rs192411346, ExAC 0.002%). This sequence change replaces methionine with arginine at codon 182 of the CNGA1 protein (p.Met182Arg). The methionine residue is moderately conserved and there is a moderate physicochemical difference between methionine and arginine. Algorithms developed to predict the effect of missense changes on protein structure and function are either unavailable or do not agree on the potential impact of this missense change (SIFT: "Deleterious"; PolyPhen-2: "Possibly Damaging"; Align-GVGD: "Class C0"). In summary, the available evidence is currently insufficient to determine the role of this variant in disease. Therefore, it has been classified as a Variant of Uncertain Significance.